The following is an entry in ClinVar:

NM_001378615.1(CC2D2A):c.4583G>A (p.Arg1528His)

Genes: FBXL5 (F-box and leucine rich repeat protein 5; minus strand), CC2D2A (coiled-coil and C2 domain containing 2A; plus strand). Cytogenetic location: 4p15.32.
Variant type: single nucleotide variant.
Coding change: c.4583G>A on transcript NM_001378615.1 (MANE Select); coding-DNA position 4583, G replaced by A.
Protein change: p.Arg1528His; replaces arginine 1528 with histidine.
Molecular consequence: missense variant.
Genome position (GRCh38, 1-based): chr4:15,599,615, G>A. VCF-style: chr4-15599615-G-A. GRCh37 (hg19) VCF-style: chr4-15601238-G-A.
Other names: c.4583G>A, p.Arg1528His (NM_001080522.2); c.4436G>A, p.Arg1479His (NM_001378617.1); short protein forms R1528H, R1479H.
Identifiers: ClinVar variation 597406 (VCV000597406.19), dbSNP rs886940102, ClinGen allele CA92536417.

ClinVar aggregate classification (germline): Conflicting classifications of pathogenicity. Review status: criteria provided, conflicting classifications (1 of 4 stars). 8 submissions from 8 submitters: Likely pathogenic (4); Uncertain significance (4). Last evaluated 2026-04-28.

Conditions:
Joubert syndrome 9 (JBTS9). Identifiers: Orphanet 2318, MedGen C2676788, MONDO:0012849, OMIM 612285.
Meckel syndrome, type 6. Identifiers: Orphanet 564, MedGen C2676790, MONDO:0012848, OMIM 612284.
Retinitis pigmentosa 93. Identifiers: MedGen C5676970, MONDO:0030797, OMIM 619845.
COACH syndrome 2. Identifiers: MedGen C5436837, MONDO:0030859, OMIM 619111.
Meckel-Gruber syndrome. Also called: Dysencephalia splachnocystica; DYSENCEPHALIA SPLANCHNOCYSTICA; GRUBER SYNDROME. Identifiers: Orphanet 564, MedGen C0265215, MONDO:0018921.
Joubert syndrome. Also called: Familial aplasia of the vermis; JOUBERT-BOLTSHAUSER SYNDROME. Identifiers: Orphanet 475, MedGen C5979921, MONDO:0018772.
CC2D2A-related disorder. Also called: CC2D2A-related disorders; CC2D2A-related condition. Identifiers: MedGen CN239313.
Joubert syndrome and related disorders. Identifiers: Orphanet 140874, MedGen C5679612, MONDO:0015369.

Allele frequency attached by ClinVar (database versions not stated): gnomAD exomes below 0.00001 and 0.00001; gnomAD 0.00001 and 0.00002; TOPMed 0.00003.
gnomAD v4.1: 14 of 1,613,232 alleles (0.00087%); highest among the groups gnomAD compares: Admixed American, 0.005%; no homozygotes.

Submissions (8):

Women's Health and Genetics/Laboratory Corporation of America, LabCorp
Classification: Likely pathogenic for Joubert syndrome and related disorders. Last evaluated: 2026-04-28. Review status: criteria provided, single submitter. Criteria: LabCorp Variant Classification Summary - May 2015. Collection method: clinical testing. Allele origin: germline.
Comment: Variant summary: CC2D2A c.4583G>A (p.Arg1528His) results in a non-conservative amino acid change in the encoded protein sequence. Algorithms developed to predict the effect of missense changes on protein structure and function all suggest that this variant is likely to be disruptive. The variant allele was found at a frequency of 4e-06 in 248706 control chromosomes. c.4583G>A has been observed in individual(s) affected with Joubert Syndrome And Related Disorders (e.g., Ben-Salem_2014, Ben-Salem_2015, Schroder_2023). These data indicate that the variant may be associated with disease. A different variant affecting the same codon has been classified as likely pathogenic/pathogenic by our lab (c.4582C>T, p.Arg1528Cys), supporting the critical relevance of codon 1528 to CC2D2A protein function. To our knowledge, no experimental evidence demonstrating an impact on protein function has been reported. The following publications have been ascertained in the context of this evaluation (PMID: 27081510, 27082236, 37131188, 34194672). ClinVar contains an entry for this variant (Variation ID: 597406). Based on the evidence outlined above, the variant was classified as likely pathogenic.

Labcorp Genetics (formerly Invitae), Labcorp
Classification: Likely pathogenic for Joubert syndrome; Meckel-Gruber syndrome. Last evaluated: 2025-04-16. Review status: criteria provided, single submitter. Criteria: Invitae Variant Classification Sherloc (09022015). Collection method: clinical testing. Allele origin: germline.
Comment: This sequence change replaces arginine, which is basic and polar, with histidine, which is basic and polar, at codon 1528 of the CC2D2A protein (p.Arg1528His). This variant is present in population databases (no rsID available, gnomAD 0.0009%). This missense change has been observed in individual(s) with Joubert syndrome (PMID: 27081510, 31964843, 34194672). ClinVar contains an entry for this variant (Variation ID: 597406). Invitae Evidence Modeling of protein sequence and biophysical properties (such as structural, functional, and spatial information, amino acid conservation, physicochemical variation, residue mobility, and thermodynamic stability) has been performed for this missense variant. However, the output from this modeling did not meet the statistical confidence thresholds required to predict the impact of this variant on CC2D2A protein function. This variant disrupts the p.Arg1528 amino acid residue in CC2D2A. Other variant(s) that disrupt this residue have been determined to be pathogenic (PMID: 18950740). This suggests that this residue is clinically significant, and that variants that disrupt this residue are likely to be disease-causing. In summary, the currently available evidence indicates that the variant is pathogenic, but additional data are needed to prove that conclusively. Therefore, this variant has been classified as Likely Pathogenic.

Blueprint Genetics
Classification: Likely pathogenic for CC2D2A-related disorders. Last evaluated: 2024-11-11. Review status: criteria provided, single submitter. Criteria: ACMG Guidelines, 2015. Collection method: clinical testing. Allele origin: germline. Affected: yes. Observed: 3 variant alleles.

Dubai Health Genomic Medicine Center, Dubai Health
Classification: Likely pathogenic for COACH syndrome 2. Last evaluated: 2024-10-04. Review status: criteria provided, single submitter. Criteria: ACMG Guidelines, 2015. Collection method: research. Allele origin: germline. Affected: yes.
Comment: PM1,PM5,PM3,PM2,PP3

Fulgent Genetics
Classification: Uncertain significance for Meckel syndrome, type 6; Joubert syndrome 9; COACH syndrome 2; Retinitis pigmentosa 93. Last evaluated: 2024-03-05. Review status: criteria provided, single submitter. Criteria: ACMG Guidelines, 2015. Collection method: clinical testing. Allele origin: germline.

PreventionGenetics, part of Exact Sciences
Classification: Uncertain significance for CC2D2A-related condition. Last evaluated: 2023-07-17. Review status: criteria provided, single submitter. Criteria: ACMG Guidelines, 2015. Collection method: clinical testing. Allele origin: germline.
Comment: The CC2D2A c.4583G>A variant is predicted to result in the amino acid substitution p.Arg1528His. This variant was previously reported, in the compound heterozygous state with a protein-truncating variant, in an individual who presented with Joubert syndrome (Ben-Salem et al. 2014. PubMed ID: 27081510); a different amino acid substitution at this position (p.Arg1528Cys) was also reported in the same study in two affected individuals. This variant is reported in 0.00089% of alleles in individuals of European (Non-Finnish) descent in gnomAD. Although we suspect this variant may be pathogenic, at this time, the clinical significance of this variant is uncertain due to the absence of conclusive functional and genetic evidence.

GeneDx
Classification: Uncertain significance. Last evaluated: 2023-07-14. Review status: criteria provided, single submitter. Criteria: GeneDx Variant Classification Process June 2021. Collection method: clinical testing. Allele origin: germline. Affected: yes.
Comment: Reported with another CC2D2A variant in a proband with a Joubert syndrome related disorder, but detailed clinical information was not provided and it is not known whether the variants occurred on the same (in cis) or on different (in trans) chromosomes (Ben-Salem et al., 2014); Reported as a single heterozygous variant in a proband with polydactyly (Zu et al., 2021); Not observed at significant frequency in large population cohorts (gnomAD); In silico analysis supports that this missense variant has a deleterious effect on protein structure/function; This variant is associated with the following publications: (PMID: 27082236, 34194672, 27081510, 31577543, 33486889)

Eurofins Ntd Llc (ga)
Classification: Uncertain significance. Last evaluated: 2018-05-31. Review status: criteria provided, single submitter. Criteria: EGL ClinVar v180209 classification definitions. Collection method: clinical testing. Allele origin: germline. Observed: 1 variant allele, 1 heterozygote.

Literature cited by the submitters: PubMed 27081510 (cited by 3 submitters); PubMed 27082236 (cited by Women's Health and Genetics/Laboratory Corporation of America, LabCorp); PubMed 34194672 (cited by Women's Health and Genetics/Laboratory Corporation of America, LabCorp and Labcorp Genetics (formerly Invitae), Labcorp); PubMed 37131188 (cited by Women's Health and Genetics/Laboratory Corporation of America, LabCorp); PubMed 31964843 (cited by Labcorp Genetics (formerly Invitae), Labcorp); PubMed 18950740 (cited by Labcorp Genetics (formerly Invitae), Labcorp).